The following is an entry in ClinVar:

ClinVar aggregate classification (germline): Likely pathogenic (1 of 4 stars; one submission).

Submission:

CeGaT Center for Human Genetics Tuebingen
Classification: Likely pathogenic. Last evaluated: 2026-08-01. Review status: criteria provided, single submitter. Criteria: CeGaT Center For Human Genetics Tuebingen Variant Classification Criteria Version 2. Collection method: clinical testing. Allele origin: germline. Affected: yes. Observed: 1 variant allele.
Comment: SCN4A: PVS1:Strong, PM2

NM_000334.4(SCN4A):c.3913-1C>T

Genes: GH-LCR (growth hormone locus control region; plus strand), SCN4A (sodium voltage-gated channel alpha subunit 4; minus strand). Cytogenetic location: 17q23.3.
Variant type: single nucleotide variant.
Coding change: c.3913-1C>T on transcript NM_000334.4 (MANE Select); the canonical splice acceptor site of the intron before coding-DNA position 3913, C replaced by T.
Molecular consequence: splice acceptor variant.
Genome position (GRCh38, 1-based): chr17:63,943,851, G>A on the plus strand (C>T on the coding strand, the complement: SCN4A is on the minus strand). VCF-style: chr17-63943851-G-A. GRCh37 (hg19) VCF-style: chr17-62021211-G-A.
Identifiers: ClinVar variation 5040696 (VCV005040696.1).